The following is an entry in ClinVar:

NM_007078.3(LDB3):c.690-4830C>A

Genes: LDB3 (LIM domain binding 3; plus strand), LOC110121486 (VISTA enhancer hs2143; plus strand). Cytogenetic location: 10q23.2.
Variant type: single nucleotide variant.
Coding change: c.690-4830C>A on transcript NM_007078.3 (MANE Select); 4830 bases into the intron before coding-DNA position 690, C replaced by A.
Molecular consequence: intron variant.
Genome position (GRCh38, 1-based): chr10:86,687,066, C>A. VCF-style: chr10-86687066-C-A. GRCh37 (hg19) VCF-style: chr10-88446823-C-A.
Other names: c.690-4830C>A (NM_001368064.1, NM_001368063.1, NM_001368065.1 and 1 more transcripts); c.345-3C>A (NM_001368068.1, NM_001368066.1, NM_001080114.2 and 2 more transcripts); c.690-3C>A (NM_001171610.2, NM_001171611.2).
Identifiers: ClinVar variation 1490278 (VCV001490278.6), dbSNP rs2132396540, ClinGen allele CA2573145658.

ClinVar aggregate classification (germline): Uncertain significance (1 of 4 stars; one submission).

Conditions:
Myofibrillar myopathy 4. Also called: Zaspopathy (type). Identifiers: Orphanet 98912, MedGen C4721886, MONDO:0012277, OMIM 609452.

gnomAD v4.1: 1 of 1,613,950 alleles (0.000062%); highest among the groups gnomAD compares: Non-Finnish European, 0.000085%; no homozygotes.

Submission:

Labcorp Genetics (formerly Invitae), Labcorp
Classification: Uncertain significance for Myofibrillar myopathy 4. Last evaluated: 2022-04-11. Review status: criteria provided, single submitter. Criteria: Invitae Variant Classification Sherloc (09022015). Collection method: clinical testing. Allele origin: germline.
Comment: This sequence change falls in intron 4 of the LDB3 gene. It does not directly change the encoded amino acid sequence of the LDB3 protein. It affects a nucleotide within the consensus splice site. This variant is not present in population databases (gnomAD no frequency). This variant has not been reported in the literature in individuals affected with LDB3-related conditions. Variants that disrupt the consensus splice site are a relatively common cause of aberrant splicing (PMID: 17576681, 9536098). Algorithms developed to predict the effect of sequence changes on RNA splicing suggest that this variant may create or strengthen a splice site. In summary, the available evidence is currently insufficient to determine the role of this variant in disease. Therefore, it has been classified as a Variant of Uncertain Significance.

Literature cited by the submitters: PubMed 17576681; PubMed 9536098.